The following is an entry in ClinVar:

ClinVar aggregate classification (germline): Uncertain significance (1 of 4 stars; one submission).

Conditions:
Myopathy, tubular aggregate, 2 (TAM2). Identifiers: MedGen C4014557, MONDO:0014383, OMIM 615883.
Combined immunodeficiency due to ORAI1 deficiency. Also called: IMMUNODEFICIENCY 9. Identifiers: Orphanet 169090, Orphanet 317428, MedGen C2748568, MONDO:0013007, OMIM 612782.

Allele frequency attached by ClinVar (database versions not stated): gnomAD 0.00001; TOPMed 0.00001; 1000 Genomes Project 30x 0.00016.

Submission:

Labcorp Genetics (formerly Invitae), Labcorp
Classification: Uncertain significance for Myopathy, tubular aggregate, 2; Combined immunodeficiency due to ORAI1 deficiency. Last evaluated: 2025-08-27. Review status: criteria provided, single submitter. Criteria: Invitae Variant Classification Sherloc (09022015). Collection method: clinical testing. Allele origin: germline.
Comment: This sequence change replaces proline, which is neutral and non-polar, with alanine, which is neutral and non-polar, at codon 14 of the ORAI1 protein (p.Pro14Ala). This variant is not present in population databases (gnomAD no frequency). This variant has not been reported in the literature in individuals affected with ORAI1-related conditions. ClinVar contains an entry for this variant (Variation ID: 957577). Experimental studies and prediction algorithms are not available or were not evaluated, and the functional significance of this variant is currently unknown. In summary, the available evidence is currently insufficient to determine the role of this variant in disease. Therefore, it has been classified as a Variant of Uncertain Significance.

NC_000012.12:g.121626782C>G

Genes: ORAI1 (ORAI calcium release-activated calcium modulator 1; plus strand), LOC130008987 (ATAC-STARR-seq lymphoblastoid silent region 4981; plus strand). Cytogenetic location: 12q24.31.
Variant type: single nucleotide variant.
Genome position: GRCh38 VCF-style: chr12-121626782-C-G. GRCh37 (hg19) VCF-style: chr12-122064687-C-G.
Other names: c.40C>G, p.Pro14Ala (NM_032790.4); short protein forms P14A.
Identifiers: ClinVar variation 957577 (VCV000957577.8), dbSNP rs1892784896, ClinGen allele CA386980324.